The following is an entry in ClinVar:

ClinVar aggregate classification (germline): Uncertain significance (1 of 4 stars; one submission).

Conditions:
Hereditary cancer-predisposing syndrome. Also called: Neoplastic Syndromes, Hereditary; Tumor predisposition; Hereditary neoplastic syndrome; Hereditary Cancer Syndrome. Identifiers: Orphanet 140162, MedGen C0027672, MeSH D009386, MONDO:0015356.

Submission:

Ambry Genetics
Classification: Uncertain significance for Hereditary cancer-predisposing syndrome. Last evaluated: 2026-07-06. Review status: criteria provided, single submitter. Criteria: Ambry Variant Classification Scheme 2023. Collection method: clinical testing. Allele origin: germline.
Comment: The p.V213A variant (also known as c.638T>C), located in coding exon 6 of the TSC2 gene, results from a T to C substitution at nucleotide position 638. The valine at codon 213 is replaced by alanine, an amino acid with similar properties. This amino acid position is conserved. In addition, the in silico prediction for this alteration is inconclusive. Based on the available evidence, the clinical significance of this variant remains unclear.

NM_000548.5(TSC2):c.638T>C (p.Val213Ala)

Gene: TSC2 (TSC complex subunit 2; plus strand). Cytogenetic location: 16p13.3.
Variant type: single nucleotide variant.
Coding change: c.638T>C on transcript NM_000548.5 (MANE Select); coding-DNA position 638, T replaced by C.
Protein change: p.Val213Ala; replaces valine 213 with alanine.
Molecular consequence: missense variant. On other transcripts: 5 prime UTR variant (10), non-coding transcript variant (5).
Genome position (GRCh38, 1-based): chr16:2,056,234, T>C. VCF-style: chr16-2056234-T-C. GRCh37 (hg19) VCF-style: chr16-2106235-T-C.
Other names: c.638T>C, p.Val213Ala (NM_001077183.3, NM_001114382.3, NM_001363528.2 and 8 more transcripts); c.527T>C, p.Val176Ala (NM_001318827.2, NM_001406670.1, NM_001406678.1); c.491T>C, p.Val164Ala (NM_001318829.2, NM_001406675.1, NM_001406676.1 and 1 more transcripts); c.38T>C, p.Val13Ala (NM_001318831.2, NM_001406680.1, NM_001406682.1 and 6 more transcripts); c.671T>C, p.Val224Ala (NM_001318832.2); c.728T>C, p.Val243Ala (NM_001406667.1, NM_001406668.1); c.581T>C, p.Val194Ala (NM_001406677.1); c.176T>C, p.Val59Ala (NM_001406681.1); and 4 more; short protein forms V213A, V224A, V243A, V13A, V59A, V164A, V176A, V194A.
Identifiers: ClinVar variation 5031326 (VCV005031326.1).